The following is an entry in ClinVar:

ClinVar aggregate classification (germline): Uncertain significance (1 of 4 stars; one submission).

gnomAD v4.1: 1 of 1,613,992 alleles (0.000062%); highest among the groups gnomAD compares: Non-Finnish European, 0.000085%; no homozygotes.

Submission:

Labcorp Genetics (formerly Invitae), Labcorp
Classification: Uncertain significance. Last evaluated: 2024-11-04. Review status: criteria provided, single submitter. Criteria: Invitae Variant Classification Sherloc (09022015). Collection method: clinical testing. Allele origin: germline.
Comment: This sequence change replaces arginine, which is basic and polar, with serine, which is neutral and polar, at codon 3054 of the SPEG protein (p.Arg3054Ser). This variant is not present in population databases (gnomAD no frequency). This variant has not been reported in the literature in individuals affected with SPEG-related conditions. ClinVar contains an entry for this variant (Variation ID: 1389005). An algorithm developed to predict the effect of missense changes on protein structure and function (PolyPhen-2) suggests that this variant is likely to be tolerated. In summary, the available evidence is currently insufficient to determine the role of this variant in disease. Therefore, it has been classified as a Variant of Uncertain Significance.

NM_005876.5(SPEG):c.9162G>C (p.Arg3054Ser)

Genes: ASIC4-AS1 (ASIC4 antisense RNA 1; minus strand), SPEG (striated muscle enriched protein kinase; plus strand). Cytogenetic location: 2q35.
Variant type: single nucleotide variant.
Coding change: c.9162G>C on transcript NM_005876.5 (MANE Select); coding-DNA position 9162, G replaced by C.
Protein change: p.Arg3054Ser; replaces arginine 3054 with serine.
Molecular consequence: missense variant.
Genome position (GRCh38, 1-based): chr2:219,490,733, G>C. VCF-style: chr2-219490733-G-C. GRCh37 (hg19) VCF-style: chr2-220355455-G-C.
Other names: short protein forms R3054S.
Identifiers: ClinVar variation 1389005 (VCV001389005.8), dbSNP rs1045237878, ClinGen allele CA350714830.